The following is an entry in ClinVar:

NM_006013.5(RPL10):c.190+4dup

Gene: RPL10 (ribosomal protein L10; plus strand). Cytogenetic location: Xq28.
Variant type: Duplication.
Coding change: c.190+4dup on transcript NM_006013.5 (MANE Select); 4 bases into the intron after coding-DNA position 190, one base duplicated (A; older notation c.190+4dupA).
Molecular consequence: intron variant.
Genome position (GRCh38, 1-based): chrX:154,399,598, A duplicated; the last of 2 consecutive A bases (chrX:154,399,597-154,399,598); duplicating either gives the same sequence. VCF-style (leftmost placement, unchanged base first): chrX-154399596-T-TA. GRCh37 (hg19) VCF-style: chrX-153627937-T-TA.
Other names: c.190+4dup (NM_001303625.1, NM_001256577.2, NM_001303624.2 and 1 more transcripts); c.82+202dup (NM_001256580.2).
Identifiers: ClinVar variation 1695325 (VCV001695325.31), dbSNP rs782715792, ClinGen allele CA10561823.

ClinVar aggregate classification (germline): Likely benign (1 of 4 stars; one submission).

Submission:

CeGaT Center for Human Genetics Tuebingen
Classification: Likely benign. Last evaluated: 2022-06-01. Review status: criteria provided, single submitter. Criteria: CeGaT Center For Human Genetics Tuebingen Variant Classification Criteria Version 2. Collection method: clinical testing. Allele origin: germline. Affected: yes. Observed: 1 variant allele.
Comment: RPL10: BP4